The following is an entry in ClinVar:

NM_002972.4(SBF1):c.3788C>T (p.Thr1263Met)

Gene: SBF1 (SET binding factor 1; minus strand). Cytogenetic location: 22q13.33.
Variant type: single nucleotide variant.
Coding change: c.3788C>T on transcript NM_002972.4 (MANE Select); coding-DNA position 3788, C replaced by T.
Protein change: p.Thr1263Met; replaces threonine 1263 with methionine.
Molecular consequence: missense variant.
Genome position (GRCh38, 1-based): chr22:50,459,293, G>A on the plus strand (C>T on the coding strand, the complement: SBF1 is on the minus strand). VCF-style: chr22-50459293-G-A. GRCh37 (hg19) VCF-style: chr22-50897722-G-A.
Other names: p.Thr1263Met; c.3791C>T, p.Thr1264Met (NM_001365819.1, NM_001410794.1); c.3788C>T, p.Thr1263Met (NM_001410795.1, NM_197971.1); short protein forms T1263M, T1264M.
Identifiers: ClinVar variation 2683580 (VCV002683580.1), dbSNP rs1339877415, ClinGen allele CA412202928.
Genomic context (GRCh38, chr22:50,459,293, plus strand): 5'-GTCTGCCCACAAGCACCCTCACCGTGACTGCCCATGTGGGCTGAGGAGAAGCCGCTAAGC[G>A]TGTTGCGTCCCGACGCGTCGGCGTAGCGGGGCATGGAGCTGACCACAGCCTGCAGGTACT-3'
Protein context (NP_002963.2, residues 1253-1273): PRYADASGRN[Thr1263Met]LSGFSSAHMG

ClinVar aggregate classification (germline): Uncertain significance (1 of 4 stars; one submission).

Allele frequency attached by ClinVar (database versions not stated): gnomAD exomes 0.00001.
gnomAD v4.1: 7 of 1,611,328 alleles (0.00043%); highest among the groups gnomAD compares: Non-Finnish European, 0.00059%; no homozygotes.

Submission:

Mayo Clinic Laboratories, Mayo Clinic
Classification: Uncertain significance. Last evaluated: 2023-05-12. Review status: criteria provided, single submitter. Criteria: ACMG Guidelines, 2015. Collection method: clinical testing. Allele origin: germline. Observed: 1 variant allele.
Comment: PM2